The following is an entry in ClinVar:

ClinVar aggregate classification (germline): Likely benign. Review status: criteria provided, multiple submitters, no conflicts (2 of 4 stars). 3 submissions from 3 submitters: Likely benign (2). 1 of the submissions does not count toward it. Last evaluated 2026-06-01.

Conditions:
GPD2-related disorder. Also called: GPD2-related condition.

Allele frequency attached by ClinVar (database versions not stated): 1000 Genomes Project 0.00120; 1000 Genomes Project 30x 0.00141; ExAC 0.00294; gnomAD exomes 0.00310 and 0.00528; gnomAD 0.00322; ESP Exome Variant Server 0.00400; TOPMed 0.00432.
gnomAD v4.1: 8,168 of 1,613,856 alleles (0.51%); highest among the groups gnomAD compares: Non-Finnish European, 0.63%; 37 homozygotes.

Submissions (3):

CeGaT Center for Human Genetics Tuebingen
Classification: Likely benign. Last evaluated: 2026-06-01. Review status: criteria provided, single submitter. Criteria: CeGaT Center For Human Genetics Tuebingen Variant Classification Criteria Version 2. Collection method: clinical testing. Allele origin: germline. Affected: yes. Observed: 1 variant allele.
Comment: GPD2: BS2

Labcorp Genetics (formerly Invitae), Labcorp
Classification: Likely benign. Last evaluated: 2019-12-31. Review status: criteria provided, single submitter. Criteria: Invitae Variant Classification Sherloc (09022015). Collection method: clinical testing. Allele origin: germline.

PreventionGenetics, part of Exact Sciences
Classification: Benign for GPD2-related condition. Last evaluated: 2019-08-26. Review status: no assertion criteria provided. Collection method: clinical testing. Allele origin: germline. Not counted in ClinVar's aggregate classification.
Comment: This variant is classified as benign based on ACMG/AMP sequence variant interpretation guidelines (Richards et al. 2015 PMID: 25741868, with internal and published modifications).

NM_000408.5(GPD2):c.922A>G (p.Ile308Val)

Gene: GPD2 (glycerol-3-phosphate dehydrogenase 2; plus strand). Cytogenetic location: 2q24.1.
Variant type: single nucleotide variant.
Coding change: c.922A>G on transcript NM_000408.5 (MANE Select); coding-DNA position 922, A replaced by G.
Protein change: p.Ile308Val; replaces isoleucine 308 with valine.
Molecular consequence: missense variant.
Genome position (GRCh38, 1-based): chr2:156,550,697, A>G. VCF-style: chr2-156550697-A-G. GRCh37 (hg19) VCF-style: chr2-157407209-A-G.
Other names: c.922A>G, p.Ile308Val (NM_001083112.3); short protein forms I308V.
Identifiers: ClinVar variation 713776 (VCV000713776.8), dbSNP rs116503732, ClinGen allele CA1916829.